The following is an entry in ClinVar:

NM_007294.4(BRCA1):c.5072C>G (p.Thr1691Arg)

Gene: BRCA1 (BRCA1 DNA repair associated; minus strand). Cytogenetic location: 17q21.31.
Variant type: single nucleotide variant.
Coding change: c.5072C>G on transcript NM_007294.4 (MANE Select); coding-DNA position 5072, C replaced by G.
Protein change: p.Thr1691Arg; replaces threonine 1691 with arginine.
Molecular consequence: missense variant. On other transcripts: non-coding transcript variant (1).
Genome position (GRCh38, 1-based): chr17:43,067,610, G>C on the plus strand (C>G on the coding strand, the complement: BRCA1 is on the minus strand). VCF-style: chr17-43067610-G-C. GRCh37 (hg19) VCF-style: chr17-41219627-G-C.
Other names: c.5072C>G, p.Thr1691Arg (NM_001407684.1, NM_001407597.1, NM_001407598.1 and 8 more transcripts); c.4943C>G, p.Thr1648Arg (NM_001407685.1, NM_001407686.1, NM_001407687.1 and 6 more transcripts); c.4940C>G, p.Thr1647Arg (NM_001407690.1, NM_001407691.1); c.4931C>G, p.Thr1644Arg (NM_001407692.1, NM_001407694.1, NM_001407729.1 and 13 more transcripts); c.1757C>G, p.Thr586Arg (NM_001408402.1, NM_001408403.1, NM_001408404.1 and 8 more transcripts); c.1754C>G, p.Thr585Arg (NM_001408406.1, NM_001408407.1, NM_001408408.1); c.1751C>G, p.Thr584Arg (NM_001408409.1); c.1688C>G, p.Thr563Arg (NM_001408410.1); and 70 more; short protein forms T1691R, T1644R, T1712R, T587R, T1522R, T1564R, T1602R, T1620R.
Identifiers: ClinVar variation 55373 (VCV000055373.7), dbSNP rs80357034, ClinGen allele CA003189.

ClinVar aggregate classification (germline): Likely pathogenic. Review status: criteria provided, multiple submitters, no conflicts (2 of 4 stars). 3 submissions from 3 submitters: Likely pathogenic (2). 1 of the submissions does not count toward it. Last evaluated 2025-09-10.

Conditions:
Hereditary cancer-predisposing syndrome. Also called: Hereditary Cancer Syndrome; Hereditary neoplastic syndrome; Neoplastic Syndromes, Hereditary; Tumor predisposition. Identifiers: Orphanet 140162, MedGen C0027672, MeSH D009386, MONDO:0015356.
Familial cancer of breast. Also called: hereditary breast carcinoma; BREAST CANCER, FAMILIAL; Hereditary breast cancer. Identifiers: Orphanet 227535, MedGen C0346153, MONDO:0016419, OMIM 114480. Disease mechanism: loss of function.

Submissions (4):

Ambry Genetics
Classification: Likely pathogenic for Hereditary cancer-predisposing syndrome. Last evaluated: 2025-09-10. Review status: criteria provided, single submitter. Criteria: Ambry Variant Classification Scheme 2023. Collection method: clinical testing. Allele origin: germline.
Comment: The p.T1691R variant (also known as c.5072C>G), located in coding exon 15 of the BRCA1 gene, results from a C to G substitution at nucleotide position 5072. The threonine at codon 1691 is replaced by arginine, an amino acid with similar properties. Multiple functional studies found that this nucleotide substitution is non-functional (Findlay GM et al. Nature, 2018 10;562:217-222; Petitalot A et al. Mol Cancer Res, 2019 01;17:54-69). Additionally, this variant was predicted to have no impact on splicing (Houdayer C et al. Hum Mutat. 2012 Aug;33(8):1228-38). Based on internal structural analysis, T1691R decreases the structure stability (Ambry internal data). This variant is considered to be rare based on population cohorts in the Genome Aggregation Database (gnomAD). This amino acid position is highly conserved in available vertebrate species. In addition, this alteration is predicted to be deleterious by in silico analysis. Based on the majority of available evidence to date, this variant is likely to be pathogenic.

Sema4
Classification: Likely pathogenic for Hereditary cancer-predisposing syndrome. Last evaluated: 2021-10-04. Review status: criteria provided, single submitter. Criteria: Sema4 Curation Guidelines. Collection method: curation. Allele origin: germline.
Comment: The BRCA1 c.5072C>G (p.T1691R) variant has been reported in heterozygosity in at least two individuals with breast cancer (PMID: 22144684). Functional studies have shown that this variant alters the homology-directed repair efficiency and proper localization of the protein (PMID: 30209399, 30257991). This data is supported by in silico tools, which predict the impact of the variant on protein function is deleterious. This variant is not reported in the Genome Aggregation Database (PMID: 32461654), but has been reported in ClinVar (Variation ID: 55373). Other nucleotide changes impacting the same amino acid position (p.T1691I, p.T1691K) have bene reported in individuals with breast or ovarian cancer (PMID 31815095, 30875412, among others). Based on the current evidence available, this variant is interpreted as likely pathogenic.

Brotman Baty Institute, University of Washington
No classification provided (evidence only). Condition: Breast-ovarian cancer, familial 1. Review status: no classification provided. Collection method: in vitro. Allele origin: not applicable. Functional consequence: functionally_abnormal. Not counted in ClinVar's aggregate classification.
ClinVar note: "not provided" was previously submitted as the classification for the variant. However, the classification appeared to be based only on an observation of functional data so it was converted to no classification on 2025-07-30.

ClinVar Staff, National Center for Biotechnology Information (NCBI)
No classification provided. Condition: Familial cancer of breast. Review status: no classification provided. Collection method: literature only. Allele origin: germline. Affected: yes. Not counted in ClinVar's aggregate classification.

Literature cited by the submitters: PubMed 22505045 (cited by Ambry Genetics); PubMed 30209399 (cited by Ambry Genetics and Sema4); PubMed 30257991 (cited by Ambry Genetics and Sema4); PubMed 22144684 (cited by Sema4 and ClinVar Staff, National Center for Biotechnology Information (NCBI)); PubMed 31815095 (cited by Sema4); PubMed 30875412 (cited by Sema4).